The following is an entry in ClinVar:

ClinVar aggregate classification (germline): Benign/Likely benign. Review status: criteria provided, multiple submitters, no conflicts (2 of 4 stars). 3 submissions from 3 submitters: Benign (1); Likely benign (2). Last evaluated 2024-10-16.

Conditions:
Lung cancer. Also called: Lung cancer, somatic; Malignant tumor of lung. Identifiers: MedGen C0242379, MONDO:0008903, OMIM 211980.
EGFR-related lung cancer (EGFR). Identifiers: MedGen CN130014.
Hereditary cancer-predisposing syndrome. Also called: Hereditary neoplastic syndrome; Neoplastic Syndromes, Hereditary; Hereditary Cancer Syndrome; Tumor predisposition. Identifiers: Orphanet 140162, MedGen C0027672, MeSH D009386, MONDO:0015356.

Allele frequency attached by ClinVar (database versions not stated): gnomAD exomes below 0.00001; ExAC 0.00001.

Submissions (3):

Myriad Genetics, Inc.
Classification: Benign for Lung cancer. Last evaluated: 2024-10-16. Review status: criteria provided, single submitter. Criteria: Myriad Autosomal Dominant, Autosomal Recessive and X-Linked Classification Criteria (2023). Collection method: clinical testing. Allele origin: unknown.
Comment: This variant is considered benign. This variant is a silent/synonymous amino acid change and it is not expected to impact splicing.

Ambry Genetics
Classification: Likely benign for Hereditary cancer-predisposing syndrome. Last evaluated: 2024-03-23. Review status: criteria provided, single submitter. Criteria: Ambry Variant Classification Scheme 2023. Collection method: clinical testing. Allele origin: germline.

Labcorp Genetics (formerly Invitae), Labcorp
Classification: Likely benign for EGFR-related lung cancer. Last evaluated: 2023-10-03. Review status: criteria provided, single submitter. Criteria: Invitae Variant Classification Sherloc (09022015). Collection method: clinical testing. Allele origin: germline.

NM_005228.5(EGFR):c.2424T>C (p.Asn808=)

Genes: EGFR (epidermal growth factor receptor; plus strand), EGFR-AS1 (EGFR antisense RNA 1; minus strand). Cytogenetic location: 7p11.2.
Variant type: single nucleotide variant.
Coding change: c.2424T>C on transcript NM_005228.5 (MANE Select); coding-DNA position 2424, T replaced by C.
Protein change: p.Asn808=; no amino-acid change (asparagine 808 retained).
Molecular consequence: synonymous variant. On other transcripts: non-coding transcript variant (1).
Genome position (GRCh38, 1-based): chr7:55,181,433, T>C. VCF-style: chr7-55181433-T-C. GRCh37 (hg19) VCF-style: chr7-55249126-T-C.
Other names: c.2424T>C (NM_005228.3); c.2289T>C, p.Asn763= (NM_001346897.2, NM_001346899.2); c.2424T>C, p.Asn808= (NM_001346898.2); c.2265T>C, p.Asn755= (NM_001346900.2); c.1623T>C, p.Asn541= (NM_001346941.2).
Identifiers: ClinVar variation 1558196 (VCV001558196.10), dbSNP rs780768227, ClinGen allele CA4266069.
Genomic context (GRCh38, chr7:55,181,433, plus strand): 5'-CATCACGCAGCTCATGCCCTTCGGCTGCCTCCTGGACTATGTCCGGGAACACAAAGACAA[T>C]ATTGGCTCCCAGTACCTGCTCAACTGGTGTGTGCAGATCGCAAAGGTAATCAGGGAAGGG-3'
Protein context (NP_005219.2, residues 798-818): LLDYVREHKD[Asn808=]IGSQYLLNWC